The following is an entry in ClinVar:

ClinVar aggregate classification (germline): Uncertain significance (1 of 4 stars; one submission).

gnomAD v4.1: 1 of 1,550,324 alleles (0.000065%); highest among the groups gnomAD compares: Non-Finnish European, 0.000087%; no homozygotes.

Submission:

GeneDx
Classification: Uncertain significance. Last evaluated: 2026-03-06. Review status: criteria provided, single submitter. Criteria: GeneDx Variant Classification Process June 2021. Collection method: clinical testing. Allele origin: germline.
Comment: Not observed at significant frequency in large population cohorts (gnomAD); In silico analysis supports that this missense variant has a deleterious effect on protein structure/function; Has not been previously published as pathogenic or benign to our knowledge

NM_001292063.2(OTOG):c.7130C>A (p.Pro2377His)

Gene: OTOG (otogelin; plus strand). Cytogenetic location: 11p15.1.
Variant type: single nucleotide variant.
Coding change: c.7130C>A on transcript NM_001292063.2 (MANE Select); coding-DNA position 7130, C replaced by A.
Protein change: p.Pro2377His; replaces proline 2377 with histidine.
Molecular consequence: missense variant.
Genome position (GRCh38, 1-based): chr11:17,633,737, C>A. VCF-style: chr11-17633737-C-A. GRCh37 (hg19) VCF-style: chr11-17655284-C-A.
Other names: c.7166C>A, p.Pro2389His (NM_001277269.2); short protein forms P2389H, P2377H.
Identifiers: ClinVar variation 5008365 (VCV005008365.1).